The following is an entry in ClinVar:

ClinVar aggregate classification (germline): Pathogenic (1 of 4 stars; one submission).

Conditions:
Congenital muscular dystrophy due to integrin alpha-7 deficiency. Also called: MYOPATHY, CONGENITAL, DUE TO INTEGRIN ALPHA-7 DEFICIENCY; Congenital muscular dystrophy with integrin alpha-7 deficiency; Muscular dystrophy, congenital, due to ITGA7 deficiency. Identifiers: Orphanet 34520, MedGen C2750786, MONDO:0013177, OMIM 613204.

Submission:

Labcorp Genetics (formerly Invitae), Labcorp
Classification: Pathogenic for Congenital muscular dystrophy due to integrin alpha-7 deficiency. Last evaluated: 2023-10-28. Review status: criteria provided, single submitter. Criteria: Invitae Variant Classification Sherloc (09022015). Collection method: clinical testing. Allele origin: germline.
Comment: This sequence change creates a premature translational stop signal (p.Thr656Profs*24) in the ITGA7 gene. It is expected to result in an absent or disrupted protein product. Loss-of-function variants in ITGA7 are known to be pathogenic (PMID: 9590299). This variant is not present in population databases (gnomAD no frequency). This variant has not been reported in the literature in individuals affected with ITGA7-related conditions. For these reasons, this variant has been classified as Pathogenic.

Literature cited by the submitters: PubMed 9590299.

NM_002206.3(ITGA7):c.1966del (p.Thr656fs)

Gene: ITGA7 (integrin subunit alpha 7; minus strand). Cytogenetic location: 12q13.2.
Variant type: Deletion.
Coding change: c.1966del on transcript NM_002206.3 (MANE Select); coding-DNA position 1966, one base deleted (A; older notation c.1966delA).
Protein change: p.Thr656fs; shifts the reading frame from threonine 656.
Molecular consequence: frameshift variant.
Genome position (GRCh38, 1-based): chr12:55,695,559, T deleted on the plus strand (A on the coding strand, the reverse complement: ITGA7 is on the minus strand). VCF-style (leftmost placement, unchanged base first): chr12-55695558-GT-G. GRCh37 (hg19) VCF-style: chr12-56089342-GT-G.
Other names: c.1978del, p.Thr660fs (NM_001144996.2); c.1687del, p.Thr563fs (NM_001144997.2); c.1639del, p.Thr547fs (NM_001367993.1); c.622del, p.Thr208fs (NM_001367994.1); c.1948del, p.Thr650fs (NM_001374465.1); c.2098del, p.Thr700fs (NM_001410977.1); c.1960del, p.Thr654fs (NM_001414029.1); c.1891del, p.Thr631fs (NM_001414030.1); and 5 more; short protein forms T208fs, T627fs, T700fs, T547fs, T595fs, T660fs, T563fs, T543fs.
Identifiers: ClinVar variation 2891692 (VCV002891692.3), dbSNP rs2539751401, ClinGen allele CA2739272081.
Genomic context (GRCh38, chr12:55,695,558, plus strand): 5'-CACCCTGCTCTCTGCCCCCCTCACATGGGCAGAGGTTGGAATTCCGTGTCGCTGACCCGG[GT>G]ACAGAAGCGGGCGCGGACCAGCTGCAGATTGCTCTGGCAGATCTTGTCTTCACCACAGCC-3'